The following is an entry in ClinVar:

NM_015629.4(PRPF31):c.322+2T>G

Genes: PRPF31 (pre-mRNA processing factor 31; plus strand), PRPF31-AS1 (PRPF31 antisense RNA 1; minus strand). Cytogenetic location: 19q13.42.
Variant type: single nucleotide variant.
Coding change: c.322+2T>G on transcript NM_015629.4 (MANE Select); the canonical splice donor site of the intron after coding-DNA position 322, T replaced by G.
Molecular consequence: splice donor variant.
Genome position (GRCh38, 1-based): chr19:54,121,945, T>G. VCF-style: chr19-54121945-T-G. GRCh37 (hg19) VCF-style: chr19-54625324-T-G.
Identifiers: ClinVar variation 2112953 (VCV002112953.4), dbSNP rs2516117809, ClinGen allele CA407749536.

ClinVar aggregate classification (germline): Pathogenic (1 of 4 stars; one submission).

Submission:

Labcorp Genetics (formerly Invitae), Labcorp
Classification: Pathogenic. Last evaluated: 2024-07-29. Review status: criteria provided, single submitter. Criteria: Invitae Variant Classification Sherloc (09022015). Collection method: clinical testing. Allele origin: germline.
Comment: This sequence change affects a donor splice site in intron 4 of the PRPF31 gene. It is expected to disrupt RNA splicing. Variants that disrupt the donor or acceptor splice site typically lead to a loss of protein function (PMID: 16199547), and loss-of-function variants in PRPF31 are known to be pathogenic (PMID: 18317597, 23950152). This variant is not present in population databases (gnomAD no frequency). Disruption of this splice site has been observed in individuals with retinitis pigmentosa (PMID: 35138024; Invitae). ClinVar contains an entry for this variant (Variation ID: 2112953). Algorithms developed to predict the effect of sequence changes on RNA splicing suggest that this variant may disrupt the consensus splice site. For these reasons, this variant has been classified as Pathogenic.

Literature cited by the submitters: PubMed 16199547; PubMed 18317597; PubMed 23950152; PubMed 35138024.